The following continues an entry in ClinVar:

NM_000038.6(APC):c.1495C>T (p.Arg499Ter)

Gene: APC. ClinVar aggregate classification (germline): Pathogenic. Pathogenic (12). ClinVar aggregate classification (oncogenicity): Likely oncogenic.

Submissions 10 to 17 of 17:

Baylor Genetics
Classification: Pathogenic for Familial adenomatous polyposis 1. Last evaluated: 2023-04-05. Review status: criteria provided, single submitter. Criteria: ACMG Guidelines, 2015. Collection method: clinical testing. Allele origin: unknown.

Myriad Genetics, Inc.
Classification: Pathogenic for Familial adenomatous polyposis 1. Last evaluated: 2023-02-23. Review status: criteria provided, single submitter. Criteria: Myriad Autosomal Dominant, Autosomal Recessive and X-Linked Classification Criteria (2023). Collection method: clinical testing. Allele origin: unknown.
Comment: This variant is considered pathogenic. This variant creates a termination codon and is predicted to result in premature protein truncation.

Revvity Omics, Revvity
Classification: Pathogenic. Last evaluated: 2022-02-03. Review status: criteria provided, single submitter. Criteria: ACMG Guidelines, 2015. Collection method: clinical testing. Allele origin: germline.

Center for Human Genetics, Inc
Classification: Pathogenic for Familial multiple polyposis syndrome. Last evaluated: 2016-11-01. Review status: criteria provided, single submitter. Criteria: ACMG Guidelines, 2015. Collection method: clinical testing. Allele origin: germline. Affected: yes.

Yale Center for Mendelian Genomics, Yale University
Classification: Pathogenic for Familial adenomatous polyposis 1. Last evaluated: 2015-11-27. Review status: no assertion criteria provided. Collection method: literature only. Allele origin: somatic. Affected: yes. Observed: 1 heterozygote. Not counted in ClinVar's aggregate classification.

Counsyl
Classification: Pathogenic for Familial adenomatous polyposis 1. Last evaluated: 2015-11-26. Review status: no assertion criteria provided. Collection method: clinical testing. Allele origin: unknown. Not counted in ClinVar's aggregate classification.

OMIM
Classification: Pathogenic for GARDNER SYNDROME. Last evaluated: 1997-11-01. Review status: no assertion criteria provided. Collection method: literature only. Allele origin: germline. Not counted in ClinVar's aggregate classification.

Department of Pathology and Laboratory Medicine, Sinai Health System
Classification: Pathogenic for Carcinoma of colon. Review status: no assertion criteria provided. Collection method: clinical testing. Allele origin: unknown. Affected: yes. Study: The Canadian Open Genetics Repository (COGR). Not counted in ClinVar's aggregate classification.
Comment: The APC p.Arg499* variant was identified in 20 of 4340 proband chromosomes (frequency: 0.005) from individuals or families with Familial Adenomatous Polyposis (Olschwang 1993, Friedl 2005, Lagarde 2010 20685668, Jarry 2011). The variant was identified in dbSNP (rs137854580) as â€šÃ„Ãºwith pathogenic, uncertain significance alleleâ€šÃ„Ã¹, ClinVar (interpreted as "pathogenic" by Invitae, Ambry Genetics and 7 others ), LOVD 3.0 (observed 33x) and UMD-LSDB (observed 35x). The variant was not identified in the following control databases: the Exome Aggregation Consortium (August 8th 2016), or the Genome Aggregation Database (Feb 27, 2017). The c.1495C>T variant leads to a premature stop codon at position 499, which is predicted to lead to a truncated or absent protein and loss of function. Loss of function variants of the APC gene are an established mechanism of disease in Familial Adenomatous Polyposis and is the type of variant expected to cause the disorder. In summary, based on the above information this variant meets our laboratoryâ€šÃ„Ã´s criteria to be classified as pathogenic.

Literature cited by the submitters: PubMed 17963004 (cited by Labcorp Genetics (formerly Invitae), Labcorp); PubMed 20685668 (cited by 5 submitters); PubMed 8381580 (cited by 5 submitters); PubMed 9487968 (cited by 4 submitters); PubMed 20223039 (cited by 6 submitters); PubMed 21779980 (cited by 3 submitters); PubMed 18199528 (cited by Center for Genomic Medicine, Rigshospitalet, Copenhagen University Hospital); PubMed 10346819 (cited by Center for Genomic Medicine, Rigshospitalet, Copenhagen University Hospital); PubMed 20649969 (cited by 4 submitters); PubMed 18433509 (cited by 3 submitters); PubMed 20924072 (cited by 3 submitters); PubMed 10077047 (cited by Color Diagnostics, LLC DBA Color Health); PubMed 12007223 (cited by 3 submitters); PubMed 12010888 (cited by Color Diagnostics, LLC DBA Color Health); PubMed 12173026 (cited by 3 submitters); PubMed 12486240 (cited by Color Diagnostics, LLC DBA Color Health); PubMed 15024739 (cited by Color Diagnostics, LLC DBA Color Health); PubMed 15951963 (cited by Color Diagnostics, LLC DBA Color Health); PubMed 23159591 (cited by 3 submitters); PubMed 25590978 (cited by Color Diagnostics, LLC DBA Color Health); PubMed 33094510 (cited by Quest Diagnostics Nichols Institute San Juan Capistrano); PubMed 35979026 (cited by Quest Diagnostics Nichols Institute San Juan Capistrano and Women's Health and Genetics/Laboratory Corporation of America, LabCorp); PubMed 37542411 (cited by Quest Diagnostics Nichols Institute San Juan Capistrano); PubMed 35296888 (cited by Quest Diagnostics Nichols Institute San Juan Capistrano); PubMed 36084716 (cited by Quest Diagnostics Nichols Institute San Juan Capistrano); PubMed 35014770 (cited by Quest Diagnostics Nichols Institute San Juan Capistrano); PubMed 31118792 (cited by Quest Diagnostics Nichols Institute San Juan Capistrano); PubMed 26613750 (cited by Yale Center for Mendelian Genomics, Yale University).